The following is an entry in ClinVar:

ClinVar aggregate classification (germline): Uncertain significance (1 of 4 stars; one submission).

Conditions:
Methylcobalamin deficiency type cblG (HMAG). Also called: HOMOCYSTINURIA-MEGALOBLASTIC ANEMIA, cblG COMPLEMENTATION TYPE; Functional methionine synthase deficiency type cblG; HOMOCYSTINURIA-MEGALOBLASTIC ANEMIA DUE TO DEFECT IN COBALAMIN METABOLISM, cblG COMPLEMENTATION TYPE; HOMOCYSTINURIA-MEGALOBLASTIC ANEMIA, cblG TYPE. Identifiers: Orphanet 2170, Orphanet 622, MedGen C1855128, MONDO:0009609, OMIM 250940.

Submission:

Labcorp Genetics (formerly Invitae), Labcorp
Classification: Uncertain significance for Methylcobalamin deficiency type cblG. Last evaluated: 2019-08-21. Review status: criteria provided, single submitter. Criteria: Invitae Variant Classification Sherloc (09022015). Collection method: clinical testing. Allele origin: germline.
Comment: In summary, the available evidence is currently insufficient to determine the role of this variant in disease. Therefore, it has been classified as a Variant of Uncertain Significance. Algorithms developed to predict the effect of missense changes on protein structure and function are either unavailable or do not agree on the potential impact of this missense change (SIFT: "Deleterious"; PolyPhen-2: "Benign"; Align-GVGD: "Class C0"). This variant has not been reported in the literature in individuals with MTR-related conditions. This variant is not present in population databases (ExAC no frequency). This sequence change replaces proline with alanine at codon 770 of the MTR protein (p.Pro770Ala). The proline residue is highly conserved and there is a small physicochemical difference between proline and alanine.

NM_000254.3(MTR):c.2308C>G (p.Pro770Ala)

Gene: MTR (5-methyltetrahydrofolate-homocysteine methyltransferase; plus strand). Cytogenetic location: 1q43.
Variant type: single nucleotide variant.
Coding change: c.2308C>G on transcript NM_000254.3 (MANE Select); coding-DNA position 2308, C replaced by G.
Protein change: p.Pro770Ala; replaces proline 770 with alanine.
Molecular consequence: missense variant.
Genome position (GRCh38, 1-based): chr1:236,863,457, C>G. VCF-style: chr1-236863457-C-G. GRCh37 (hg19) VCF-style: chr1-237026757-C-G.
Other names: c.2155C>G, p.Pro719Ala (NM_001291939.1); c.1087C>G, p.Pro363Ala (NM_001291940.2); short protein forms P363A, P770A, P719A.
Identifiers: ClinVar variation 940869 (VCV000940869.9), dbSNP rs968363996, ClinGen allele CA345378227.